The following is an entry in ClinVar:

ClinVar aggregate classification (germline): Uncertain significance (1 of 4 stars; one submission).

Conditions:
Hereditary cancer-predisposing syndrome. Also called: Neoplastic Syndromes, Hereditary; Tumor predisposition; Hereditary Cancer Syndrome; Hereditary neoplastic syndrome. Identifiers: Orphanet 140162, MedGen C0027672, MeSH D009386, MONDO:0015356.

Submission:

Ambry Genetics
Classification: Uncertain significance for Hereditary cancer-predisposing syndrome. Last evaluated: 2025-12-29. Review status: criteria provided, single submitter. Criteria: Ambry Variant Classification Scheme 2023. Collection method: clinical testing. Allele origin: germline.
Comment: The p.S2586G variant (also known as c.7756A>G), located in coding exon 15 of the APC gene, results from an A to G substitution at nucleotide position 7756. The serine at codon 2586 is replaced by glycine, an amino acid with similar properties. This amino acid position is conserved. In addition, in silico predictors for this gene do not accurately predict pathogenicity. Based on the available evidence, the clinical significance of this variant remains unclear.

NM_000038.6(APC):c.7756A>G (p.Ser2586Gly)

Gene: APC (APC regulator of Wnt signaling pathway; plus strand). Cytogenetic location: 5q22.2.
Variant type: single nucleotide variant.
Coding change: c.7756A>G on transcript NM_000038.6 (MANE Select); coding-DNA position 7756, A replaced by G.
Protein change: p.Ser2586Gly; replaces serine 2586 with glycine.
Molecular consequence: missense variant. On other transcripts: non-coding transcript variant (2).
Genome position (GRCh38, 1-based): chr5:112,843,350, A>G. VCF-style: chr5-112843350-A-G. GRCh37 (hg19) VCF-style: chr5-112179047-A-G.
Other names: c.7756A>G, p.Ser2586Gly (NM_001127510.3, NM_001354895.2, NM_001407450.1); c.7702A>G, p.Ser2568Gly (NM_001127511.3); c.7810A>G, p.Ser2604Gly (NM_001354896.2, NM_001407447.1, NM_001407448.1 and 1 more transcripts); c.7786A>G, p.Ser2596Gly (NM_001354897.2); c.7681A>G, p.Ser2561Gly (NM_001354898.2); c.7672A>G, p.Ser2558Gly (NM_001354899.2); c.7633A>G, p.Ser2545Gly (NM_001354900.2); c.7579A>G, p.Ser2527Gly (NM_001354901.2, NM_001407453.1); and 11 more; short protein forms S2561G, S2568G, S2576G, S2586G, S2457G, S2495G, S2527G, S2545G.
Identifiers: ClinVar variation 4838025 (VCV004838025.1).